The following is an entry in ClinVar:

ClinVar aggregate classification (germline): Pathogenic (1 of 4 stars; one submission).

Submission:

Labcorp Genetics (formerly Invitae), Labcorp
Classification: Pathogenic. Last evaluated: 2023-01-20. Review status: criteria provided, single submitter. Criteria: Invitae Variant Classification Sherloc (09022015). Collection method: clinical testing. Allele origin: germline.
Comment: For these reasons, this variant has been classified as Pathogenic. This variant disrupts the p.Gly424 amino acid residue in SLC26A4. Other variant(s) that disrupt this residue have been determined to be pathogenic (PMID: 18285825). This suggests that this residue is clinically significant, and that variants that disrupt this residue are likely to be disease-causing. This variant has not been reported in the literature in individuals affected with SLC26A4-related conditions. This variant results in the deletion of exons 11-12 and part of exon 13 (c.1263+1701_1503del) of the SLC26A4 gene. It is expected to disrupt RNA splicing. Variants that disrupt the donor or acceptor splice site typically lead to a loss of protein function (PMID: 16199547), and loss-of-function variants in SLC26A4 are known to be pathogenic (PMID: 16283880, 25394566, 26252218, 26445815).

Literature cited by the submitters: PubMed 18285825; PubMed 16199547; PubMed 16283880; PubMed 25394566; PubMed 26252218; PubMed 26445815.

NC_000007.13:g.(?_107332383)_(107336443_?)del

Gene: SLC26A4 (solute carrier family 26 member 4; plus strand). Cytogenetic location: 7q22.3.
Variant type: Deletion.
Identifiers: ClinVar variation 1454965 (VCV001454965.7).